The following is an entry in ClinVar:

NM_000742.4(CHRNA2):c.101C>G (p.Pro34Arg)

Gene: CHRNA2 (cholinergic receptor nicotinic alpha 2 subunit; minus strand). Cytogenetic location: 8p21.2.
Variant type: single nucleotide variant.
Coding change: c.101C>G on transcript NM_000742.4 (MANE Select); coding-DNA position 101, C replaced by G.
Protein change: p.Pro34Arg; replaces proline 34 with arginine.
Molecular consequence: missense variant. On other transcripts: 5 prime UTR variant (4).
Genome position (GRCh38, 1-based): chr8:27,469,954, G>C on the plus strand (C>G on the coding strand, the complement: CHRNA2 is on the minus strand). VCF-style: chr8-27469954-G-C. GRCh37 (hg19) VCF-style: chr8-27327471-G-C.
Other names: c.101C>G, p.Pro34Arg (NM_001282455.2); c.-327C>G (NM_001347705.2); c.-372C>G (NM_001347706.2); c.-313C>G (NM_001347707.2); c.-361C>G (NM_001347708.2); short protein forms P34R.
Identifiers: ClinVar variation 4802728 (VCV004802728.1).
Genomic context (GRCh38, chr8:27,469,954, plus strand): 5'-GAGCCTCCCTGCGGCAATGCCGTGGGACTGGGAGAGGAGAGTGGGTCTCCAGGAGCCCTG[G>C]GAGGTGGGCGCTTAGCTTCCTCTCCACCTGCCATCAAATCAGAGCCACTCAGCCTCACTG-3'
Protein context (NP_000733.2, residues 24-44): AGGEEAKRPP[Pro34Arg]RAPGDPLSSP

ClinVar aggregate classification (germline): Uncertain significance (1 of 4 stars; one submission).

Conditions:
Familial sleep-related hypermotor epilepsy. Also called: Autosomal Dominant Sleep-Related Hypermotor (Hyperkinetic) Epilepsy. Identifiers: Orphanet 98784, MedGen C3696898, MONDO:0000030.

Submission:

Labcorp Genetics (formerly Invitae), Labcorp
Classification: Uncertain significance. Last evaluated: 2025-07-21. Review status: criteria provided, single submitter. Criteria: Invitae Variant Classification Sherloc (09022015). Collection method: clinical testing. Allele origin: germline.
Comment: This sequence change replaces proline, which is neutral and non-polar, with arginine, which is basic and polar, at codon 34 of the CHRNA2 protein (p.Pro34Arg). This variant is not present in population databases (gnomAD no frequency). This variant has not been reported in the literature in individuals affected with CHRNA2-related conditions. Invitae Evidence Modeling of protein sequence and biophysical properties (such as structural, functional, and spatial information, amino acid conservation, physicochemical variation, residue mobility, and thermodynamic stability) indicates that this missense variant is not expected to disrupt CHRNA2 protein function with a negative predictive value of 95%. In summary, the available evidence is currently insufficient to determine the role of this variant in disease. Therefore, it has been classified as a Variant of Uncertain Significance.